The following is an entry in ClinVar:

NM_013265.4(VPS51):c.1070C>T (p.Ala357Val)

Gene: VPS51 (VPS51 subunit of GARP complex; plus strand). Cytogenetic location: 11q13.1.
Variant type: single nucleotide variant.
Coding change: c.1070C>T on transcript NM_013265.4 (MANE Select); coding-DNA position 1070, C replaced by T.
Protein change: p.Ala357Val; replaces alanine 357 with valine.
Molecular consequence: missense variant. On other transcripts: non-coding transcript variant (1).
Genome position (GRCh38, 1-based): chr11:65,108,541, C>T. VCF-style: chr11-65108541-C-T. GRCh37 (hg19) VCF-style: chr11-64876013-C-T.
Other names: short protein forms A357V.
Identifiers: ClinVar variation 3188997 (VCV003188997.2), dbSNP rs745519623, ClinGen allele CA6090488.
Genomic context (GRCh38, chr11:65,108,541, plus strand): 5'-TGGCGGCCTTCGCCCGGCAGCTGGGCAGCCGCTATTTTGCGCTGGTGGAGCGGCGGCTGG[C>T]GCAGGAGCAGGGTGGTGGTGACAACTCACTGCTGGTGCGGGCGCTGGACCGCTTCCACCG-3'
Protein context (NP_037397.2, residues 347-367): RYFALVERRL[Ala357Val]QEQGGGDNSL

ClinVar aggregate classification (germline): Uncertain significance. Review status: criteria provided, multiple submitters, no conflicts (2 of 4 stars). 2 submissions from 2 submitters: Uncertain significance (2). Last evaluated 2024-05-28.

Allele frequency attached by ClinVar (database versions not stated): TOPMed 0.00001; gnomAD exomes 0.00002; ExAC 0.00007.
gnomAD v4.1: 12 of 1,578,216 alleles (0.00076%); highest among the groups gnomAD compares: Admixed American, 0.02%; no homozygotes.

Submissions (2):

Women's Health and Genetics/Laboratory Corporation of America, LabCorp
Classification: Uncertain significance. Last evaluated: 2024-05-28. Review status: criteria provided, single submitter. Criteria: LabCorp Variant Classification Summary - May 2015. Collection method: clinical testing. Allele origin: germline.
Comment: Variant summary: VPS51 c.1070C>T (p.Ala357Val) results in a non-conservative amino acid change in the encoded protein sequence. Four of five in-silico tools predict a benign effect of the variant on protein function. The variant allele was found at a frequency of 4.9e-05 in 184008 control chromosomes. The available data on variant occurrences in the general population are insufficient to allow any conclusion about variant significance. To our knowledge, no occurrence of c.1070C>T in individuals affected with Pontocerebellar Hypoplasia, Type 13 and no experimental evidence demonstrating its impact on protein function have been reported. ClinVar contains an entry for this variant (Variation ID: 3188997). Based on the evidence outlined above, the variant was classified as uncertain significance.

Ambry Genetics
Classification: Uncertain significance. Last evaluated: 2024-02-17. Review status: criteria provided, single submitter. Criteria: Ambry Variant Classification Scheme 2023. Collection method: clinical testing. Allele origin: germline.